The following continues an entry in ClinVar:

NM_000492.4(CFTR):c.349C>T (p.Arg117Cys)

Gene: CFTR. ClinVar aggregate classification (germline): Pathogenic; drug response. Pathogenic (1).

Submissions 8 to 15 of 33:

ARUP Laboratories, Molecular Genetics and Genomics, ARUP Laboratories
Classification: Pathogenic for Cystic fibrosis; Bronchiectasis with or without elevated sweat chloride 1; Hereditary pancreatitis; Congenital bilateral aplasia of vas deferens from CFTR mutation. Last evaluated: 2025-07-15. Review status: criteria provided, single submitter. Criteria: ARUP Molecular Germline Variant Investigation Process 2024. Collection method: clinical testing. Allele origin: germline. Not counted in ClinVar's aggregate classification.
Comment: The CFTR c.349C>T; p.Arg117Cys variant (rs77834169, ClinVar Variation ID: 48688) is reported in the literature in multiple individuals affected with cystic fibrosis (Claustres 2000, Costa 2011, Gonska 2009, McGinniss 2005, Sosnay 2013, Strandvik 2001, Wong 2004), and is often associated with pancreatic sufficiency (Sosnay 2013, CFTR2 database) and borderline sweat chloride (Lebecque 2002, Parad 2005, Sontag 2005, Wong 2004). However, this variant has also been identified in patients with CFTR-related disorders, such as congenital bilateral absence of vas deferens (Claustres 2000, Mercier 1995, Steiner 2011, Wilschanski 2006, Zielenski 1995), and in asymptomatic individuals even when found with another pathogenic variant on the opposite chromosome (Wong 2004). This variant is found in the general population with an overall allele frequency of 0.018% (52/282344 alleles) in the Genome Aggregation database (v2.1.1). Computational analyses predict that this variant is deleterious (REVEL: 0.823). Functional characterization of the variant protein indicates a defect in chloride transport (Cui 2014, Sosnay 2013, van Goor 2014). Based on available information, this variant is considered to be pathogenic with varying clinical consequences. References: CFTR2 database: Claustres M et al. Spectrum of CFTR mutations in cystic fibrosis and in congenital absence of the vas deferens in France. Hum Mutat. 2000; 16(2):143-56. PMID: 10923036. Costa C et al. A recurrent deep-intronic splicing CF mutation emphasizes the importance of mRNA studies in clinical practice. J Cyst Fibros. 2011; 10(6):479-82. PMID: 21783433. Cui G et al. Three charged amino acids in extracellular loop 1 are involved in maintaining the outer pore architecture of CFTR. J Gen Physiol. 2014; 144(2):159-79. PMID: 25024266. Gonska T et al. Sweat gland bioelectrics differ in cystic fibrosis: a new concept for potential diagnosis and assessment of CFTR function in cystic fibrosis. Thorax. 2009; 64(11):932-8. PMID: 19734129. Lebecque P et al. Mutations of the cystic fibrosis gene and intermediate sweat chloride levels in children. Am J Respir Crit Care Med. 2002; 165(6):757-61. PMID: 11897640. McGinniss MJ et al. Extensive sequencing of the CFTR gene: lessons learned from the first 157 patient samples. Hum Genet. 2005 Dec;118(3-4):331-8. PMID: 16189704. Mercier B et al. Is congenital bilateral absence of vas deferens a primary form of cystic fibrosis? Analyses of the CFTR gene in 67 patients. Am J Hum Genet. 1995; 56(1):272-7. PMID: 7529962. Parad R et al. Diagnostic dilemmas resulting from the immunoreactive trypsinogen/DNA cystic fibrosis newborn screening algorithm. J Pediatr. 2005; 147(3 Suppl):S78-82. PMID: 16202789. Sontag MK et al. Two-tiered immunoreactive trypsinogen-based newborn screening for cystic fibrosis in Colorado: screening efficacy and diagnostic outcomes. J Pediatr. 2005 Sep;147(3 Suppl):S83-8. PMID: 16202790. Sosnay PR et al. Defining the disease liability of variants in the cystic fibrosis transmembrane conductance regulator gene. Nat Genet. 2013; 45(10):1160-7. PMID: 23974870. Steiner B et al. Common CFTR haplotypes and susceptibility to chronic pancreatitis and congenital bilateral absence of the vas deferens. Hum Mutat. 2011; 32(8):912-20. PMID: 21520337. Strandvik B et al. Spectrum of mutations in the CFTR gene of patients with classical and atypical forms of cystic fibrosis from southwestern Sweden: identification of 12 novel mutations. Genet Test. 2001; 5(3):235-42. PMID: 11788090. Van Goor F et al. Effect of ivacaftor on CFTR forms with missense mutations associated with defects in protein processing or function. J Cyst Fibros. 2014 Jan;13(1):29-36. PMID: 23891399. Wilschanski M et al. Correlation of sweat chloride concentration with classes of the cystic fibrosis transmembrane conductance regulator gene mutations. J Pediatr. 1995; 127(5):705-10. PMID: 7472820. Wong L et al. The necessity of complete CFTR mutational analysis of an infertile couple before in vitro fertilization. Fertil Steril. 2004; 82(4):947-9. PMID: 15482777. Zielenski J et al. CFTR gene variant for patients with congenital absence of vas deferens. Am J Hum Genet. 1995; 57(4):958-60. PMID: 7573058.

Dasa
Classification: Pathogenic. Last evaluated: 2025-06-09. Review status: criteria provided, single submitter. Criteria: DASA Assertion Criteria. Collection method: clinical testing. Allele origin: germline. Not counted in ClinVar's aggregate classification.
Comment: NM_000492.4(CFTR):c.349C>T (p.Arg117Cys) is a missense variant that results in the substitution of arginine with cysteine. The affected residue or protein region has prior evidence supporting clinical relevance. This variant has been observed in affected individuals with related phenotype in a genotype context consistent with recessive disease (PMID: 18449561; PMID: 20932301; PMID: 23891399; PMID: 23974870; PMID: 7525450). Functional evidence supports a deleterious effect on the gene or gene product (PMID: 18449561; PMID: 20932301; PMID: 23891399; PMID: 23974870; PMID: 7525450). This variant has been recurrently observed in individuals with related phenotype (PMID: 18449561; PMID: 20932301; PMID: 23891399; PMID: 23974870; PMID: 7525450). Multiple computational predictions support a deleterious effect on the gene or gene product. The variant is present at low frequency in population datasets. Based on the available data, this variant is classified as pathogenic.

3billion
Classification: Pathogenic for Cystic fibrosis. Last evaluated: 2025-02-26. Review status: criteria provided, single submitter. Criteria: ACMG Guidelines, 2015. Collection method: clinical testing. Allele origin: germline. Affected: yes. Not counted in ClinVar's aggregate classification.
Comment: The variant is observed at an extremely low frequency in the gnomAD v4.1.0 dataset (total allele frequency: 0.010%). Predicted Consequence/Location: Missense variant In silico tool predictions suggest damaging effect of the variant on gene or gene product [REVEL: 0.82 (>=0.6, sensitivity 0.68 and specificity 0.92); 3Cnet: 0.77 (>0.75, sensitivity 0.96 and precision 0.92)]. The same nucleotide change resulting in the same amino acid change has been previously reported as pathogenic/likely pathogenic with strong evidence (ClinVar ID: VCV000048688 /PMID: 7525450 /3billion dataset). The variant has been reported to be in trans with a pathogenic variant as either compound heterozygous or homozygous in at least 2 similarly affected unrelated individuals (PMID: 15482777, 21783433, 24586523). Different missense changes at the same codon (p.Arg117Gly, p.Arg117His, p.Arg117Leu, p.Arg117Pro) have been reported as pathogenic/likely pathogenic with strong evidence (ClinVar ID: VCV000007109, VCV000053762, VCV000053764, VCV000053765 /PMID: 11119745, 2344617, 7541510, 7689013). Therefore, this variant is classified as Pathogenic according to the recommendation of ACMG/AMP guideline.

Ambry Genetics
Classification: Pathogenic for Cystic fibrosis. Last evaluated: 2025-01-13. Review status: criteria provided, single submitter. Criteria: Ambry Variant Classification Scheme 2023. Collection method: clinical testing. Allele origin: germline. Not counted in ClinVar's aggregate classification.
Comment: The p.R117C pathogenic mutation (also known as c.349C>T), located in coding exon 4 of the CFTR gene, results from a C to T substitution at nucleotide position 349. The arginine at codon 117 is replaced by cysteine, an amino acid with highly dissimilar properties. In one study in the Swedish population, this mutation was identified in 7 patients with elevated sweat chloride levels and pancreatic sufficiency (PS); each had p.F508del on the other chromosome (in trans) (Strandvik B et al. Genet Test. 2001;5(3):235-42). Another study reported this mutation in 67 patients who were compound heterozygous for another CF-causing mutation. These patients predominantly had normal lung function, elevated sweat chloride levels, and pancreatic sufficiency (Sosnay PR et al. Nat Genet. 2013;45(10):1160-7). This amino acid position is highly conserved in available vertebrate species. In addition, this alteration is predicted to be deleterious by in silico analysis. Based on the supporting evidence, this alteration is interpreted as a disease-causing mutation.

Blueprint Genetics
Classification: Pathogenic for CFTR-related disorders. Last evaluated: 2024-11-11. Review status: criteria provided, single submitter. Criteria: ACMG Guidelines, 2015. Collection method: clinical testing. Allele origin: germline. Affected: yes. Observed: 5 variant alleles. Not counted in ClinVar's aggregate classification.

Revvity Omics, Revvity
Classification: Pathogenic. Last evaluated: 2024-11-04. Review status: criteria provided, single submitter. Criteria: ACMG Guidelines, 2015. Collection method: clinical testing. Allele origin: germline. Not counted in ClinVar's aggregate classification.

Fulgent Genetics
Classification: Pathogenic for Hereditary pancreatitis; Bronchiectasis with or without elevated sweat chloride 1; Cystic fibrosis; Congenital bilateral aplasia of vas deferens from CFTR mutation. Last evaluated: 2024-05-28. Review status: criteria provided, single submitter. Criteria: ACMG Guidelines, 2015. Collection method: clinical testing. Allele origin: germline. Not counted in ClinVar's aggregate classification.

Baylor Genetics
Classification: Pathogenic for Bronchiectasis with or without elevated sweat chloride 1. Last evaluated: 2024-03-18. Review status: criteria provided, single submitter. Criteria: ACMG Guidelines, 2015. Collection method: clinical testing. Allele origin: unknown. Not counted in ClinVar's aggregate classification.